The following is an entry in ClinVar:

ClinVar aggregate classification (germline): Likely benign (1 of 4 stars; one submission).

gnomAD v4.1: 9 of 1,609,476 alleles (0.00056%); highest among the groups gnomAD compares: Non-Finnish European, 0.00068%; no homozygotes.

Submission:

CeGaT Center for Human Genetics Tuebingen
Classification: Likely benign. Last evaluated: 2025-09-01. Review status: criteria provided, single submitter. Criteria: CeGaT Center For Human Genetics Tuebingen Variant Classification Criteria Version 2. Collection method: clinical testing. Allele origin: germline. Affected: yes. Observed: 1 variant allele.
Comment: SLC9A1: BP4, BP7

NM_003047.5(SLC9A1):c.1053A>G (p.Ser351=)

Gene: SLC9A1 (solute carrier family 9 member A1; minus strand). Cytogenetic location: 1p36.11.
Variant type: single nucleotide variant.
Coding change: c.1053A>G on transcript NM_003047.5 (MANE Select); coding-DNA position 1053, A replaced by G.
Protein change: p.Ser351=; no amino-acid change (serine 351 retained).
Molecular consequence: synonymous variant. On other transcripts: non-coding transcript variant (1).
Genome position (GRCh38, 1-based): chr1:27,109,538, T>C on the plus strand (A>G on the coding strand, the complement: SLC9A1 is on the minus strand). VCF-style: chr1-27109538-T-C. GRCh37 (hg19) VCF-style: chr1-27436029-T-C.
Identifiers: ClinVar variation 4280864 (VCV004280864.7).